The following is an entry in ClinVar:

NM_000092.5(COL4A4):c.3270_3277del (p.Gly1091fs)

Gene: COL4A4 (collagen type IV alpha 4 chain; minus strand). Cytogenetic location: 2q36.3.
Variant type: Deletion.
Coding change: c.3270_3277del on transcript NM_000092.5 (MANE Select); coding-DNA positions 3270 to 3277, 8 bases deleted (AGGTAGCC; older notation c.3270_3277delAGGTAGCC).
Protein change: p.Gly1091fs; shifts the reading frame from glycine 1091.
Molecular consequence: frameshift variant.
Genome position (GRCh38, 1-based): chr2:227,047,487-227,047,494, GGCTACCT deleted on the plus strand (AGGTAGCC on the coding strand, the reverse complement: COL4A4 is on the minus strand); deleting any 8 consecutive bases within chr2:227,047,487-227,047,498 gives the same sequence; the c. name uses the placement nearest the transcript's 3' end. VCF-style (leftmost placement, unchanged base first): chr2-227047486-GGGCTACCT-G. GRCh37 (hg19) VCF-style: chr2-227912202-GGGCTACCT-G.
Other names: short protein forms G1091fs.
Identifiers: ClinVar variation 5012885 (VCV005012885.1).

ClinVar aggregate classification (germline): Pathogenic (1 of 4 stars; one submission).

Conditions:
Alport syndrome. Also called: Hemorrhagic familial nephritis; Hemorrhagic hereditary nephritis; Congenital hereditary hematuria. Identifiers: Orphanet 63, MedGen C1567741, MONDO:0018965.

Submission:

Myriad Genetics, Inc.
Classification: Pathogenic for Alport syndrome. Last evaluated: 2024-04-02. Review status: criteria provided, single submitter. Criteria: Myriad Autosomal Dominant, Autosomal Recessive and X-Linked Classification Criteria (2023). Collection method: clinical testing. Allele origin: unknown.
Comment: NM_000092.4(COL4A4):c.3270_3277del8(G1091Wfs*41) is expected to be pathogenic in the context of Alport syndrome, COL4A4-related. This variant is predicted to lead to an abnormal or absent protein product due to the creation of a premature termination codon in COL4A4, a gene where loss-of-function variants are known to be pathogenic. Please note: this variant was assessed in the context of healthy population screening.